The following is an entry in ClinVar:

NM_001171.6(ABCC6):c.2536G>C (p.Ala846Pro)

Gene: ABCC6 (ATP binding cassette subfamily C member 6; minus strand). Cytogenetic location: 16p13.11.
Variant type: single nucleotide variant.
Coding change: c.2536G>C on transcript NM_001171.6 (MANE Select); coding-DNA position 2536, G replaced by C.
Protein change: p.Ala846Pro; replaces alanine 846 with proline.
Molecular consequence: missense variant.
Genome position (GRCh38, 1-based): chr16:16,177,506, C>G on the plus strand (G>C on the coding strand, the complement: ABCC6 is on the minus strand). VCF-style: chr16-16177506-C-G. GRCh37 (hg19) VCF-style: chr16-16271363-C-G.
Other names: c.2536G>C (NM_001171.5); c.2194G>C, p.Ala732Pro (NM_001351800.1); short protein forms A732P, A846P.
Identifiers: ClinVar variation 1933604 (VCV001933604.6), dbSNP rs754730506, ClinGen allele CA394887619.
Genomic context (GRCh38, chr16:16,177,506, plus strand): 5'-TAGTACCTCCTTCTCCTCTATCTCCTGGCTGTCTGGCTTGATCCAGAAGACACATGAGGG[C>G]CCCCTTCCTCTGCAGAAGCTCCTGGTAGGAACCCATCTCTGCGATGGCCCCATTTGCCAG-3'
Protein context (NP_001162.5, residues 836-856): SYQELLQRKG[Ala846Pro]LMCLLDQARQ

ClinVar aggregate classification (germline): Uncertain significance. Review status: criteria provided, multiple submitters, no conflicts (2 of 4 stars). 2 submissions from 2 submitters: Uncertain significance (2). Last evaluated 2024-09-26.

Conditions:
Inborn genetic diseases. Identifiers: MedGen C0950123, MeSH D030342.

gnomAD v4.1: 5 of 1,613,536 alleles (0.00031%); highest among the groups gnomAD compares: Non-Finnish European, 0.00042%; no homozygotes.

Submissions (2):

Ambry Genetics
Classification: Uncertain significance for Inborn genetic diseases. Last evaluated: 2024-09-26. Review status: criteria provided, single submitter. Criteria: Ambry Variant Classification Scheme 2023. Collection method: clinical testing. Allele origin: germline.

Labcorp Genetics (formerly Invitae), Labcorp
Classification: Uncertain significance. Last evaluated: 2022-09-01. Review status: criteria provided, single submitter. Criteria: Invitae Variant Classification Sherloc (09022015). Collection method: clinical testing. Allele origin: germline.
Comment: In summary, the available evidence is currently insufficient to determine the role of this variant in disease. Therefore, it has been classified as a Variant of Uncertain Significance. Advanced modeling of protein sequence and biophysical properties (such as structural, functional, and spatial information, amino acid conservation, physicochemical variation, residue mobility, and thermodynamic stability) performed at Invitae indicates that this missense variant is not expected to disrupt ABCC6 protein function. This variant has not been reported in the literature in individuals affected with ABCC6-related conditions. This variant is present in population databases (no rsID available, gnomAD 0.0009%). This sequence change replaces alanine, which is neutral and non-polar, with proline, which is neutral and non-polar, at codon 846 of the ABCC6 protein (p.Ala846Pro).